The following is an entry in ClinVar:

ClinVar aggregate classification (germline): Uncertain significance (0 of 4 stars; one submission).

Conditions:
CCDC88C-related disorder. Also called: CCDC88C-Related Disorders; CCDC88C-related condition.

gnomAD v4.1: 10 of 1,505,406 alleles (0.00066%); highest among the groups gnomAD compares: East Asian, 0.016%; no homozygotes.

Submission:

PreventionGenetics, part of Exact Sciences
Classification: Uncertain significance for CCDC88C-related condition. Last evaluated: 2024-05-08. Review status: no assertion criteria provided. Collection method: clinical testing. Allele origin: germline.
Comment: The CCDC88C c.5147C>T variant is predicted to result in the amino acid substitution p.Pro1716Leu. To our knowledge, this variant has not been reported in the literature. This variant is reported in 0.0058% of alleles in individuals of European (Finnish) descent in gnomAD. At this time, the clinical significance of this variant is uncertain due to the absence of conclusive functional and genetic evidence.

NM_001080414.4(CCDC88C):c.5147C>T (p.Pro1716Leu)

Gene: CCDC88C (coiled-coil domain containing 88C; minus strand). Cytogenetic location: 14q32.11.
Variant type: single nucleotide variant.
Coding change: c.5147C>T on transcript NM_001080414.4 (MANE Select); coding-DNA position 5147, C replaced by T.
Protein change: p.Pro1716Leu; replaces proline 1716 with leucine.
Molecular consequence: missense variant. On other transcripts: non-coding transcript variant (2).
Genome position (GRCh38, 1-based): chr14:91,273,565, G>A on the plus strand (C>T on the coding strand, the complement: CCDC88C is on the minus strand). VCF-style: chr14-91273565-G-A. GRCh37 (hg19) VCF-style: chr14-91739909-G-A.
Other names: short protein forms P1716L.
Identifiers: ClinVar variation 3355030 (VCV003355030.1).